The following is an entry in ClinVar:

NM_006517.5(SLC16A2):c.148G>A (p.Glu50Lys)

Gene: SLC16A2 (solute carrier family 16 member 2; plus strand). Cytogenetic location: Xq13.2.
Variant type: single nucleotide variant.
Coding change: c.148G>A on transcript NM_006517.5 (MANE Select); coding-DNA position 148, G replaced by A.
Protein change: p.Glu50Lys; replaces glutamic acid 50 with lysine.
Molecular consequence: missense variant.
Genome position (GRCh38, 1-based): chrX:74,421,785, G>A. VCF-style: chrX-74421785-G-A. GRCh37 (hg19) VCF-style: chrX-73641620-G-A.
Other names: p.Glu50Lys; c.370G>A (NM_006517.3); short protein forms E50K.
Identifiers: ClinVar variation 660972 (VCV000660972.35), dbSNP rs756065515, ClinGen allele CA10454378.

ClinVar aggregate classification (germline): Conflicting classifications of pathogenicity. Review status: criteria provided, conflicting classifications (1 of 4 stars). 6 submissions from 6 submitters: Uncertain significance (3); Likely benign (3). Last evaluated 2026-01-11.

Conditions:
Allan-Herndon-Dudley syndrome (AHDS). Also called: MENTAL RETARDATION AND MUSCULAR ATROPHY; T3 RESISTANCE; TRIIODOTHYRONINE RESISTANCE; Passos-Bueno syndrome; ALLAN-HERNDON SYNDROME. Identifiers: Orphanet 59, MedGen C0795889, MONDO:0010354, OMIM 300523.
Inborn genetic diseases. Identifiers: MedGen C0950123, MeSH D030342.
Spastic paraplegia. Identifiers: MedGen C0037772, HP:0001258.

Allele frequency attached by ClinVar (database versions not stated): gnomAD 0.00002; gnomAD exomes 0.00002; TOPMed 0.00003; ExAC 0.00009.
gnomAD v4.1: 20 of 1,147,139 alleles (0.0017%); highest among the groups gnomAD compares: Admixed American, 0.0025%; no homozygotes.

Submissions (6):

Labcorp Genetics (formerly Invitae), Labcorp
Classification: Likely benign for Spastic paraplegia. Last evaluated: 2026-01-11. Review status: criteria provided, single submitter. Criteria: Invitae Variant Classification Sherloc (09022015). Collection method: clinical testing. Allele origin: germline.

Women's Health and Genetics/Laboratory Corporation of America, LabCorp
Classification: Likely benign. Last evaluated: 2024-04-11. Review status: criteria provided, single submitter. Criteria: LabCorp Variant Classification Summary - May 2015. Collection method: clinical testing. Allele origin: germline.
Comment: Variant summary: SLC16A2 c.148G>A (p.Glu50Lys) results in a conservative amino acid change in the encoded protein sequence. Five of five in-silico tools predict a benign effect of the variant on protein function. The variant allele was found at a frequency of 1.7e-05 in 1147139 control chromosomes in the gnomAD database, including 10 hemizygotes, suggesting that this variant is benign. To our knowledge, no occurrence of c.148G>A in individuals affected with Allan-Herndon-Dudley Syndrome and no experimental evidence demonstrating its impact on protein function have been reported. ClinVar contains an entry for this variant (Variation ID: 660972). Based on the evidence outlined above, the variant was classified as likely benign.

Ambry Genetics
Classification: Uncertain significance for Inborn genetic diseases. Last evaluated: 2023-12-17. Review status: criteria provided, single submitter. Criteria: Ambry Variant Classification Scheme 2023. Collection method: clinical testing. Allele origin: germline.

Mayo Clinic Laboratories, Mayo Clinic
Classification: Uncertain significance. Last evaluated: 2023-09-01. Review status: criteria provided, single submitter. Criteria: ACMG Guidelines, 2015. Collection method: clinical testing. Allele origin: germline. Observed: 1 variant allele.
Comment: BP4

CeGaT Center for Human Genetics Tuebingen
Classification: Likely benign. Last evaluated: 2023-03-01. Review status: criteria provided, single submitter. Criteria: CeGaT Center For Human Genetics Tuebingen Variant Classification Criteria Version 2. Collection method: clinical testing. Allele origin: germline. Affected: yes. Observed: 1 variant allele.
Comment: SLC16A2: BS2

Department of Pathology and Laboratory Medicine, Sinai Health System
Classification: Uncertain significance for Allan-Herndon-Dudley syndrome. Last evaluated: 2021-11-08. Review status: criteria provided, single submitter. Criteria: ACMG Guidelines, 2015. Collection method: research. Allele origin: germline.